The following is an entry in ClinVar:

ClinVar aggregate classification (germline): Benign/Likely benign. Review status: criteria provided, multiple submitters, no conflicts (2 of 4 stars). 9 submissions from 9 submitters: Benign (8); Likely benign (1). Last evaluated 2026-02-04.

Conditions:
Autosomal dominant nonsyndromic hearing loss 1. Also called: KONIGSMARK SYNDROME; DEAFNESS, AUTOSOMAL DOMINANT 1, WITH OR WITHOUT THROMBOCYTOPENIA. Identifiers: Orphanet 90635, MedGen C1852282, MONDO:0007424, OMIM 124900.
Progressive microcephaly-seizures-cortical blindness-developmental delay syndrome. Also called: Seizures, cortical blindness, and microcephaly syndrome. Identifiers: Orphanet 477814, MedGen C5567650, MONDO:0014714, OMIM 616632.

Submissions (9):

Labcorp Genetics (formerly Invitae), Labcorp
Classification: Benign for Progressive microcephaly-seizures-cortical blindness-developmental delay syndrome; Autosomal dominant nonsyndromic hearing loss 1. Last evaluated: 2026-02-04. Review status: criteria provided, single submitter. Criteria: Invitae Variant Classification Sherloc (09022015). Collection method: clinical testing. Allele origin: germline.

Mayo Clinic Laboratories, Mayo Clinic
Classification: Benign. Last evaluated: 2025-08-21. Review status: criteria provided, single submitter. Criteria: ACMG Guidelines, 2015. Collection method: clinical testing. Allele origin: germline. Observed: 92 variant alleles.

ARUP Laboratories, Molecular Genetics and Genomics, ARUP Laboratories
Classification: Benign. Last evaluated: 2025-04-30. Review status: criteria provided, single submitter. Criteria: ARUP Molecular Germline Variant Investigation Process 2024. Collection method: clinical testing. Allele origin: germline.

Blueprint Genetics
Classification: Benign. Last evaluated: 2024-11-26. Review status: criteria provided, single submitter. Criteria: ACMG Guidelines, 2015. Collection method: clinical testing. Allele origin: germline.

GeneDx
Classification: Benign. Last evaluated: 2018-04-13. Review status: criteria provided, single submitter. Criteria: GeneDx Variant Classification Process June 2021. Collection method: clinical testing. Allele origin: germline. Affected: yes.

Center for Pediatric Genomic Medicine, Children's Mercy Hospital and Clinics
Classification: Likely benign. Last evaluated: 2017-08-24. Review status: criteria provided, single submitter. Criteria: ACMG Guidelines, 2015. Collection method: clinical testing. Allele origin: germline.

Eurofins Ntd Llc (ga)
Classification: Benign. Last evaluated: 2015-01-16. Review status: criteria provided, single submitter. Criteria: EGL Classification Definitions. Collection method: clinical testing. Allele origin: germline. Observed: 5 variant alleles, 4 heterozygotes, 1 homozygote.

Laboratory for Molecular Medicine, Mass General Brigham Personalized Medicine
Classification: Benign. Last evaluated: 2014-10-31. Review status: criteria provided, single submitter. Criteria: LMM Criteria. Collection method: clinical testing. Allele origin: germline. Observed: 66 variant alleles.
Comment: c.1821TCC[12] in exon 16 of DIAPH1: This allele is a part of a poly TCC stretch and is not expected to have clinical significance because it has been identified in 3.1% (238/7732) of European American chromosomes and 6.7% (239/3592) of Afri can American chromosomes by the NHLBI Exome Sequencing Project (dbSNP rs35249032).

PreventionGenetics, part of Exact Sciences
Classification: Benign. Review status: criteria provided, single submitter. Criteria: ACMG Guidelines, 2015. Collection method: clinical testing. Allele origin: germline.

Literature cited by the submitters: "1851_1853dup") (cited by Eurofins Ntd Llc (ga)).

NM_005219.5(DIAPH1):c.1821TCC[12] (p.Pro620dup)

Gene: DIAPH1 (diaphanous related formin 1; minus strand). Cytogenetic location: 5q31.3.
Variant type: Microsatellite.
Coding change: c.1821TCC[12] on transcript NM_005219.5 (MANE Select); 12 copies in a row of the 3-base unit TCC starting at c.1821; the reference has 11 copies in a row; one copy, 3 bases duplicated; also written c.1851_1853dup.
Protein change: p.Pro620dup; duplicates proline 620.
Molecular consequence: inframe insertion.
Genome position (GRCh38, 1-based): chr5:141,573,997-141,573,999, GGA duplicated on the plus strand (TCC on the coding strand, the reverse complement: DIAPH1 is on the minus strand); duplicating any 3 consecutive bases within chr5:141,573,997-141,574,030 gives the same sequence; the position shown is the placement nearest the transcript's 3' end. VCF-style (leftmost placement, unchanged base first): chr5-141573996-T-TGGA. GRCh37 (hg19) VCF-style: chr5-140953563-T-TGGA.
Other names: p.Pro620_Leu621insPro; p.Pro620dup; c.1851_1853dup (NM_005219.5, NM_005219.4); c.1794TCC[12], p.Pro611dup (NM_001079812.3); c.1821TCC[12], p.Pro620dup (NM_001314007.2).
Identifiers: ClinVar variation 226564 (VCV000226564.27), dbSNP rs3075570, ClinGen allele CA201274.
Genomic context (GRCh38, chr5:141,573,996, plus strand): 5'-AGCAGTACCTCCAGGTAAAGAAGGGGGTGAGGAGATGCAAACACCCCCAGGCAAAGGAGG[T>TGGA]GGAGGAGGAGGAGGAGGAGGAGGAGGAGGAGGAGTGGTACTATCCCCAGGAGCAGGTGGT-3'